The following is an entry in ClinVar:

ClinVar aggregate classification (germline): Uncertain significance (1 of 4 stars; one submission).

Conditions:
Bardet-Biedl syndrome (BBS). Identifiers: Orphanet 110, MedGen C0752166, MONDO:0015229.

Submission:

Labcorp Genetics (formerly Invitae), Labcorp
Classification: Uncertain significance for Bardet-Biedl syndrome. Last evaluated: 2022-01-01. Review status: criteria provided, single submitter. Criteria: Invitae Variant Classification Sherloc (09022015). Collection method: clinical testing. Allele origin: germline.
Comment: This sequence change replaces threonine, which is neutral and polar, with alanine, which is neutral and non-polar, at codon 508 of the BBS7 protein (p.Thr508Ala). This variant is not present in population databases (gnomAD no frequency). This variant has not been reported in the literature in individuals affected with BBS7-related conditions. Algorithms developed to predict the effect of missense changes on protein structure and function are either unavailable or do not agree on the potential impact of this missense change (SIFT: "Deleterious"; PolyPhen-2: "Benign"; Align-GVGD: "Class C0"). In summary, the available evidence is currently insufficient to determine the role of this variant in disease. Therefore, it has been classified as a Variant of Uncertain Significance.

NM_176824.3(BBS7):c.1522A>G (p.Thr508Ala)

Gene: BBS7 (Bardet-Biedl syndrome 7; minus strand). Cytogenetic location: 4q27.
Variant type: single nucleotide variant.
Coding change: c.1522A>G on transcript NM_176824.3 (MANE Select); coding-DNA position 1522, A replaced by G.
Protein change: p.Thr508Ala; replaces threonine 508 with alanine.
Molecular consequence: missense variant.
Genome position (GRCh38, 1-based): chr4:121,833,385, T>C on the plus strand (A>G on the coding strand, the complement: BBS7 is on the minus strand). VCF-style: chr4-121833385-T-C. GRCh37 (hg19) VCF-style: chr4-122754540-T-C.
Other names: c.1522A>G, p.Thr508Ala (NM_018190.4); short protein forms T508A.
Identifiers: ClinVar variation 2054748 (VCV002054748.1), dbSNP rs2476446912, ClinGen allele CA358058117.